The following is an entry in ClinVar:

NM_000352.6(ABCC8):c.3158G>A (p.Ser1053Asn)

Gene: ABCC8 (ATP binding cassette subfamily C member 8; minus strand). Cytogenetic location: 11p15.1.
Variant type: single nucleotide variant.
Coding change: c.3158G>A on transcript NM_000352.6 (MANE Select); coding-DNA position 3158, G replaced by A.
Protein change: p.Ser1053Asn; replaces serine 1053 with asparagine.
Molecular consequence: missense variant. On other transcripts: non-coding transcript variant (1).
Genome position (GRCh38, 1-based): chr11:17,406,892, C>T on the plus strand (G>A on the coding strand, the complement: ABCC8 is on the minus strand). VCF-style: chr11-17406892-C-T. GRCh37 (hg19) VCF-style: chr11-17428439-C-T.
Other names: c.3161G>A, p.Ser1054Asn (NM_001287174.3); c.3224G>A, p.Ser1075Asn (NM_001351295.2); c.3158G>A, p.Ser1053Asn (NM_001351296.2); c.3155G>A, p.Ser1052Asn (NM_001351297.2); short protein forms S1053N, S1052N, S1054N, S1075N.
Identifiers: ClinVar variation 1034174 (VCV001034174.2), dbSNP rs767123465, ClinGen allele CA5902908.

ClinVar aggregate classification (germline): Uncertain significance. Review status: criteria provided, multiple submitters, no conflicts (2 of 4 stars). 2 submissions from 2 submitters: Uncertain significance (2). Last evaluated 2024-01-20.

Conditions:
Hyperinsulinemic hypoglycemia, familial, 1 (HHF1). Also called: HYPERINSULINISM, FAMILIAL, WITH PANCREATIC NESIDIOBLASTOSIS; HYPOGLYCEMIA, HYPERINSULINEMIC, OF INFANCY; NESIDIOBLASTOSIS OF PANCREAS; Persistent hyperinsulinemic hypoglycemia of infancy; Persistent Hyperinsulinemia Hypoglycemia of Infancy. Identifiers: Orphanet 276575, Orphanet 276598, MedGen C2931832, MONDO:0009734, OMIM 256450.
Leucine-induced hypoglycemia (LIH). Also called: LEUCINE-SENSITIVE HYPOGLYCEMIA OF INFANCY. Identifiers: MedGen C0271714, MONDO:0009415, OMIM 240800.
Diabetes mellitus, permanent neonatal 3. Also called: ABCC8-Related Permanent Neonatal Diabetes Mellitus. Identifiers: MedGen C5394303, MONDO:0030088, OMIM 618857.
Diabetes mellitus, transient neonatal, 2 (TNDM2). Identifiers: Orphanet 99886, MedGen C1835887, MONDO:0012480, OMIM 610374. Disease mechanism: loss of function.
Type 2 diabetes mellitus. Also called: Type II diabetes mellitus. Identifiers: MedGen C0011860, MeSH D003924, MONDO:0005148, OMIM 125853, HP:0005978.

Allele frequency attached by ClinVar (database versions not stated): gnomAD exomes below 0.00001 and 0.00001; ExAC 0.00001; gnomAD 0.00001; TOPMed 0.00002.
gnomAD v4.1: 17 of 1,614,152 alleles (0.0011%); highest among the groups gnomAD compares: Non-Finnish European, 0.0014%; no homozygotes.

Submissions (2):

Fulgent Genetics
Classification: Uncertain significance for Type 2 diabetes mellitus; Leucine-induced hypoglycemia; Hyperinsulinemic hypoglycemia, familial, 1; Diabetes mellitus, transient neonatal, 2; Diabetes mellitus, permanent neonatal 3. Last evaluated: 2024-01-20. Review status: criteria provided, single submitter. Criteria: ACMG Guidelines, 2015. Collection method: clinical testing. Allele origin: germline.

Baylor Genetics
Classification: Uncertain significance for Hyperinsulinemic hypoglycemia, familial, 1. Last evaluated: 2018-08-03. Review status: criteria provided, single submitter. Criteria: ACMG Guidelines, 2015. Collection method: clinical testing. Allele origin: maternal. Affected: yes.
Comment: This variant was determined to be of uncertain significance according to ACMG Guidelines, 2015 [PMID:25741868].